The following is an entry in ClinVar:

NM_001370100.5(ZMYND11):c.1356T>G (p.His452Gln)

Genes: ZMYND11 (zinc finger MYND-type containing 11; plus strand), LOC126860802 (BRD4-independent group 4 enhancer GRCh37_chr10:294268-295467; plus strand). Cytogenetic location: 10p15.3.
Variant type: single nucleotide variant.
Coding change: c.1356T>G on transcript NM_001370100.5 (MANE Select); coding-DNA position 1356, T replaced by G.
Protein change: p.His452Gln; replaces histidine 452 with glutamine.
Molecular consequence: missense variant. On other transcripts: non-coding transcript variant (1).
Genome position (GRCh38, 1-based): chr10:248,464, T>G. VCF-style: chr10-248464-T-G. GRCh37 (hg19) VCF-style: chr10-294404-T-G.
Other names: c.1356T>G, p.His452Gln (NM_001161482.1, NM_001202468.1, NM_001370097.3 and 5 more transcripts); c.1194T>G, p.His398Gln (NM_001202464.3, NM_001202467.1, NM_001370109.2 and 6 more transcripts); c.1101T>G, p.His367Gln (NM_001202465.3, NM_001370110.2); c.1191T>G, p.His397Gln (NM_001202466.3, NM_001370111.2); c.1305T>G, p.His435Gln (NM_001330057.3, NM_001370112.2); c.1263T>G, p.His421Gln (NM_001370113.2, NM_001370114.2); c.1353T>G, p.His451Gln (NM_001370115.2, NM_212479.4); c.1290T>G, p.His430Gln (NM_001370116.2); and 8 more; short protein forms H350Q, H397Q, H429Q, H358Q, H376Q, H367Q, H403Q, H421Q.
Identifiers: ClinVar variation 2013004 (VCV002013004.4), dbSNP rs926883139, ClinGen allele CA201884868.

ClinVar aggregate classification (germline): Uncertain significance (1 of 4 stars; one submission).

Submission:

Labcorp Genetics (formerly Invitae), Labcorp
Classification: Uncertain significance. Last evaluated: 2022-10-08. Review status: criteria provided, single submitter. Criteria: Invitae Variant Classification Sherloc (09022015). Collection method: clinical testing. Allele origin: germline.
Comment: In summary, the available evidence is currently insufficient to determine the role of this variant in disease. Therefore, it has been classified as a Variant of Uncertain Significance. Advanced modeling of protein sequence and biophysical properties (such as structural, functional, and spatial information, amino acid conservation, physicochemical variation, residue mobility, and thermodynamic stability) performed at Invitae indicates that this missense variant is not expected to disrupt ZMYND11 protein function. This variant has not been reported in the literature in individuals affected with ZMYND11-related conditions. This variant is not present in population databases (gnomAD no frequency). This sequence change replaces histidine, which is basic and polar, with glutamine, which is neutral and polar, at codon 452 of the ZMYND11 protein (p.His452Gln).